The following is an entry in ClinVar:

NM_030962.4(SBF2):c.3036C>T (p.Thr1012=)

Genes: SBF2 (SET binding factor 2; minus strand), LOC101928008 (uncharacterized LOC101928008; plus strand). Cytogenetic location: 11p15.4.
Variant type: single nucleotide variant.
Coding change: c.3036C>T on transcript NM_030962.4 (MANE Select); coding-DNA position 3036, C replaced by T.
Protein change: p.Thr1012=; no amino-acid change (threonine 1012 retained).
Molecular consequence: synonymous variant.
Genome position (GRCh38, 1-based): chr11:9,845,639, G>A on the plus strand (C>T on the coding strand, the complement: SBF2 is on the minus strand). VCF-style: chr11-9845639-G-A. GRCh37 (hg19) VCF-style: chr11-9867186-G-A.
Other names: c.3036C>T, p.Thr1012= (NM_001386339.1); c.2907C>T, p.Thr969= (NM_001386342.1).
Identifiers: ClinVar variation 448238 (VCV000448238.54), dbSNP rs111967328, ClinGen allele CA5881391.

ClinVar aggregate classification (germline): Benign/Likely benign. Review status: criteria provided, multiple submitters, no conflicts (2 of 4 stars). 7 submissions from 7 submitters: Benign (1); Likely benign (6). Last evaluated 2025-12-19.

Conditions:
Charcot-Marie-Tooth disease type 4. Also called: Charcot-Marie-Tooth disease, type IV; Charcot-Marie-Tooth, Type 4. Identifiers: Orphanet 64749, MedGen C4082197, MONDO:0018995.
Inborn genetic diseases. Identifiers: MedGen C0950123, MeSH D030342.
Charcot-Marie-Tooth disease type 4B2. Also called: CHARCOT-MARIE-TOOTH DISEASE, DEMYELINATING, TYPE 4B2; Charcot-Marie-Tooth Neuropathy Type 4B2; CHARCOT-MARIE-TOOTH DISEASE, WITH FOCALLY FOLDED MYELIN SHEATHS, AUTOSOMAL RECESSIVE, TYPE 4B2; CMT 4B2. Identifiers: Orphanet 99956, MedGen C1858278, MONDO:0011475, OMIM 604563.

Allele frequency attached by ClinVar (database versions not stated): gnomAD exomes 0.00016 and 0.00038; ExAC 0.00050; ESP Exome Variant Server 0.00162; gnomAD 0.00167 and 0.00170; TOPMed 0.00180; 1000 Genomes Project 0.00300; 1000 Genomes Project 30x 0.00344.
gnomAD v4.1: 558 of 1,613,924 alleles (0.035%); highest among the groups gnomAD compares: African/African-American, 0.57%; 4 homozygotes.

Submissions (7):

Labcorp Genetics (formerly Invitae), Labcorp
Classification: Benign for Charcot-Marie-Tooth disease type 4. Last evaluated: 2025-12-19. Review status: criteria provided, single submitter. Criteria: Invitae Variant Classification Sherloc (09022015). Collection method: clinical testing. Allele origin: germline.

Blueprint Genetics
Classification: Likely benign. Last evaluated: 2024-10-09. Review status: criteria provided, single submitter. Criteria: ACMG Guidelines, 2015. Collection method: clinical testing. Allele origin: germline.

CeGaT Center for Human Genetics Tuebingen
Classification: Likely benign. Last evaluated: 2021-11-01. Review status: criteria provided, single submitter. Criteria: CeGaT Center For Human Genetics Tuebingen Variant Classification Criteria Version 2. Collection method: clinical testing. Allele origin: germline. Affected: yes. Observed: 1 variant allele.

GeneDx
Classification: Likely benign. Last evaluated: 2021-02-26. Review status: criteria provided, single submitter. Criteria: GeneDx Variant Classification Process June 2021. Collection method: clinical testing. Allele origin: germline. Affected: yes.

Ambry Genetics
Classification: Likely benign for Inborn genetic diseases. Last evaluated: 2019-07-11. Review status: criteria provided, single submitter. Criteria: Ambry Variant Classification Scheme 2023. Collection method: clinical testing. Allele origin: germline.

Illumina Laboratory Services, Illumina
Classification: Likely benign for Charcot-Marie-Tooth disease type 4B2. Last evaluated: 2018-01-12. Review status: criteria provided, single submitter. Criteria: ICSL Variant Classification Criteria 13 December 2019. Collection method: clinical testing. Allele origin: germline.
Comment: This variant was observed in the ICSL laboratory as part of a predisposition screen in an ostensibly healthy population. It had not been previously curated by ICSL or reported in the Human Gene Mutation Database (HGMD: prior to June 1st, 2018), and was therefore a candidate for classification through an automated scoring system. Utilizing variant allele frequency, disease prevalence and penetrance estimates, and inheritance mode, an automated score was calculated to assess if this variant is too frequent to cause the disease. Based on the score and internal cut-off values, a variant classified as likely benign is not then subjected to further curation. The score for this variant resulted in a classification of likely benign for this disease.

Athena Diagnostics
Classification: Likely benign. Last evaluated: 2016-09-14. Review status: criteria provided, single submitter. Criteria: Athena Diagnostics Criteria. Collection method: clinical testing. Allele origin: germline.